The following is an entry in ClinVar:

ClinVar aggregate classification (germline): Likely pathogenic (1 of 4 stars; one submission).

Conditions:
3-Methylglutaconic aciduria type 2 (BTHS). Also called: CARDIOSKELETAL MYOPATHY WITH NEUTROPENIA AND ABNORMAL MITOCHONDRIA; Barth syndrome. Identifiers: Orphanet 111, MedGen C0574083, MONDO:0010543, OMIM 302060.

Submission:

Labcorp Genetics (formerly Invitae), Labcorp
Classification: Likely pathogenic for 3-Methylglutaconic aciduria type 2. Last evaluated: 2022-02-05. Review status: criteria provided, single submitter. Criteria: Invitae Variant Classification Sherloc (09022015). Collection method: clinical testing. Allele origin: germline.
Comment: This variant results in the deletion of part of exon 6 of the TAZ gene. It is expected to disrupt RNA splicing. Variants that disrupt the donor or acceptor splice site typically lead to a loss of protein function (PMID: 16199547), and loss-of-function variants in TAZ are known to be pathogenic (PMID: 16427346, 22382802, 23409742). In summary, the currently available evidence indicates that the variant is pathogenic, but additional data are needed to prove that conclusively. Therefore, this variant has been classified as Likely Pathogenic. ClinVar contains an entry for this variant (Variation ID: 855792). This variant has not been reported in the literature in individuals affected with TAZ-related conditions. This variant is not present in population databases (gnomAD no frequency).

Literature cited by the submitters: PubMed 16199547; PubMed 16427346; PubMed 22382802; PubMed 23409742.

NM_000116.5(TAFAZZIN):c.528_541+7del

Gene: TAFAZZIN (tafazzin, phospholipid-lysophospholipid transacylase; plus strand). Cytogenetic location: Xq28.
Variant type: Deletion.
Coding change: c.528_541+7del on transcript NM_000116.5 (MANE Select); coding-DNA position 528 through 7 bases into the intron after coding-DNA position 541, 21 bases deleted (TATCTTCCCAGAAGGTCAGCA).
Molecular consequence: splice donor variant.
Genome position (GRCh38, 1-based): chrX:154,419,610-154,419,630, TATCTTCCCAGAAGGTCAGCA deleted; deleting any 21 consecutive bases within chrX:154,419,607-154,419,630 gives the same sequence; the c. name uses the placement nearest the transcript's 3' end. VCF-style (leftmost placement, unchanged base first): chrX-154419606-TGCATATCTTCCCAGAAGGTCA-T. GRCh37 (hg19) VCF-style: chrX-153647945-TGCATATCTTCCCAGAAGGTCA-T.
Other names: c.582_595+7del (NM_001303465.2); c.528_541+7del (NM_181312.4); c.438_451+7del (NM_181311.4, NM_181313.4).
Identifiers: ClinVar variation 855792 (VCV000855792.6), dbSNP rs2068570435, ClinGen allele CA916084022.
Genomic context (GRCh38, chrX:154,419,606, plus strand): 5'-ATGGCGTCTACCAGAAGGGGATGGACTTCATTTTGGAGAAGCTCAACCATGGGGACTGGG[TGCATATCTTCCCAGAAGGTCA>T]GCAGGGCTGACTGGGTCGAGCCCCCCCAGTATGAGCGGGATGGGCTCCCAAGCCTCGCCT-3'